The following is an entry in ClinVar:

ClinVar aggregate classification (germline): Uncertain significance (1 of 4 stars; one submission).

Submission:

Labcorp Genetics (formerly Invitae), Labcorp
Classification: Uncertain significance. Last evaluated: 2023-06-15. Review status: criteria provided, single submitter. Criteria: Invitae Variant Classification Sherloc (09022015). Collection method: clinical testing. Allele origin: germline.
Comment: This sequence change replaces serine, which is neutral and polar, with leucine, which is neutral and non-polar, at codon 1515 of the COL4A1 protein (p.Ser1515Leu). This variant is not present in population databases (gnomAD no frequency). This variant has not been reported in the literature in individuals affected with COL4A1-related conditions. Experimental studies and prediction algorithms are not available or were not evaluated, and the functional significance of this variant is currently unknown. In summary, the available evidence is currently insufficient to determine the role of this variant in disease. Therefore, it has been classified as a Variant of Uncertain Significance.

NM_001845.6(COL4A1):c.4544C>T (p.Ser1515Leu)

Gene: COL4A1 (collagen type IV alpha 1 chain; minus strand). Cytogenetic location: 13q34.
Variant type: single nucleotide variant.
Coding change: c.4544C>T on transcript NM_001845.6 (MANE Select); coding-DNA position 4544, C replaced by T.
Protein change: p.Ser1515Leu; replaces serine 1515 with leucine.
Molecular consequence: missense variant.
Genome position (GRCh38, 1-based): chr13:110,161,288, G>A on the plus strand (C>T on the coding strand, the complement: COL4A1 is on the minus strand). VCF-style: chr13-110161288-G-A. GRCh37 (hg19) VCF-style: chr13-110813635-G-A.
Other names: short protein forms S1515L.
Identifiers: ClinVar variation 2904987 (VCV002904987.3), dbSNP rs910165632, ClinGen allele CA256242136.